The following is an entry in ClinVar:

ClinVar aggregate classification (germline): Uncertain significance (1 of 4 stars; one submission).

Conditions:
Vici syndrome (VICIS). Identifiers: Orphanet 1493, MedGen C1855772, MONDO:0009452, OMIM 242840.

Allele frequency attached by ClinVar (database versions not stated): TOPMed 0.00002; gnomAD exomes 0.00003; ExAC 0.00004; gnomAD 0.00005.
gnomAD v4.1: 57 of 1,614,180 alleles (0.0035%); highest among the groups gnomAD compares: Admixed American, 0.0083%; no homozygotes.

Submission:

Labcorp Genetics (formerly Invitae), Labcorp
Classification: Uncertain significance for Vici syndrome. Last evaluated: 2021-09-01. Review status: criteria provided, single submitter. Criteria: Invitae Variant Classification Sherloc (09022015). Collection method: clinical testing. Allele origin: germline.
Comment: This sequence change replaces tyrosine with cysteine at codon 348 of the EPG5 protein (p.Tyr348Cys). The tyrosine residue is weakly conserved and there is a large physicochemical difference between tyrosine and cysteine. This variant is present in population databases (rs761594653, ExAC 0.02%). This variant has not been reported in the literature in individuals affected with EPG5-related conditions. Algorithms developed to predict the effect of missense changes on protein structure and function output the following: SIFT: "Tolerated"; PolyPhen-2: "Benign"; Align-GVGD: "Class C0". The cysteine amino acid residue is found in multiple mammalian species, which suggests that this missense change does not adversely affect protein function. In summary, the available evidence is currently insufficient to determine the role of this variant in disease. Therefore, it has been classified as a Variant of Uncertain Significance.

NM_020964.3(EPG5):c.1043A>G (p.Tyr348Cys)

Gene: EPG5 (ectopic P-granules 5 autophagy tethering factor; minus strand). Cytogenetic location: 18q21.1.
Variant type: single nucleotide variant.
Coding change: c.1043A>G on transcript NM_020964.3 (MANE Select); coding-DNA position 1043, A replaced by G.
Protein change: p.Tyr348Cys; replaces tyrosine 348 with cysteine.
Molecular consequence: missense variant.
Genome position (GRCh38, 1-based): chr18:45,952,609, T>C on the plus strand (A>G on the coding strand, the complement: EPG5 is on the minus strand). VCF-style: chr18-45952609-T-C. GRCh37 (hg19) VCF-style: chr18-43532575-T-C.
Other names: short protein forms Y348C.
Identifiers: ClinVar variation 1000273 (VCV001000273.7), dbSNP rs761594653, ClinGen allele CA8949827.